The following is an entry in ClinVar:

NM_001365951.3(KIF1B):c.4841C>G (p.Pro1614Arg)

Gene: KIF1B (kinesin family member 1B; plus strand). Cytogenetic location: 1p36.22.
Variant type: single nucleotide variant.
Coding change: c.4841C>G on transcript NM_001365951.3 (MANE Select); coding-DNA position 4841, C replaced by G.
Protein change: p.Pro1614Arg; replaces proline 1614 with arginine.
Molecular consequence: missense variant.
Genome position (GRCh38, 1-based): chr1:10,371,157, C>G. VCF-style: chr1-10371157-C-G. GRCh37 (hg19) VCF-style: chr1-10431215-C-G.
Other names: c.4841C>G, p.Pro1614Arg (NM_001365952.1); c.4703C>G, p.Pro1568Arg (NM_015074.3); short protein forms P1568R, P1614R.
Identifiers: ClinVar variation 3288376 (VCV003288376.3).

ClinVar aggregate classification (germline): Uncertain significance. Review status: criteria provided, multiple submitters, no conflicts (2 of 4 stars). 3 submissions from 3 submitters: Uncertain significance (3). Last evaluated 2026-09-02.

Conditions:
Charcot-Marie-Tooth disease type 2. Also called: Charcot-Marie-Tooth type 2. Identifiers: Orphanet 64746, MedGen C0270914, MONDO:0018993.
KIF1B-related disorder. Also called: KIF1B-related condition.

Submissions (3):

PreventionGenetics, part of Exact Sciences
Classification: Uncertain significance for KIF1B-related condition. Last evaluated: 2026-09-02. Review status: criteria provided, single submitter. Criteria: ACMG Guidelines, 2015. Collection method: clinical testing. Allele origin: germline.
Comment: The KIF1B c.4703C>G variant is predicted to result in the amino acid substitution p.Pro1568Arg. To our knowledge, this variant has not been reported in the literature or in a large population database (gnomAD), indicating this variant is rare. At this time, the clinical significance of this variant is uncertain due to the absence of conclusive functional and genetic evidence.

Labcorp Genetics (formerly Invitae), Labcorp
Classification: Uncertain significance for Charcot-Marie-Tooth disease type 2. Last evaluated: 2025-11-13. Review status: criteria provided, single submitter. Criteria: Invitae Variant Classification Sherloc (09022015). Collection method: clinical testing. Allele origin: germline.
Comment: This sequence change replaces proline, which is neutral and non-polar, with arginine, which is basic and polar, at codon 1568 of the KIF1B protein (p.Pro1568Arg). This variant is not present in population databases (gnomAD no frequency). This variant has not been reported in the literature in individuals affected with KIF1B-related conditions. ClinVar contains an entry for this variant (Variation ID: 3288376). An algorithm developed to predict the effect of missense changes on protein structure and function (PolyPhen-2) suggests that this variant is likely to be disruptive. In summary, the available evidence is currently insufficient to determine the role of this variant in disease. Therefore, it has been classified as a Variant of Uncertain Significance.

Ambry Genetics
Classification: Uncertain significance. Last evaluated: 2024-06-17. Review status: criteria provided, single submitter. Criteria: Ambry Variant Classification Scheme 2023. Collection method: clinical testing. Allele origin: germline.
Comment: The p.P1568R variant (also known as c.4703C>G), located in coding exon 42 of the KIF1B gene, results from a C to G substitution at nucleotide position 4703. The proline at codon 1568 is replaced by arginine, an amino acid with dissimilar properties. This amino acid position is conserved. In addition, this alteration is predicted to be tolerated by in silico analysis. Based on the available evidence, the clinical significance of this variant remains unclear.